The following is an entry in ClinVar:

ClinVar aggregate classification (germline): Uncertain significance (1 of 4 stars; one submission).

Submission:

GeneDx
Classification: Uncertain significance. Last evaluated: 2025-05-09. Review status: criteria provided, single submitter. Criteria: GeneDx Variant Classification Process June 2021. Collection method: clinical testing. Allele origin: germline. Affected: yes.
Comment: Not observed at significant frequency in large population cohorts (gnomAD); In silico analysis supports a deleterious effect on protein structure/function; Has not been previously published as pathogenic or benign to our knowledge

NM_015559.3(SETBP1):c.2875_2876delinsTT (p.Glu959Leu)

Gene: SETBP1 (SET binding protein 1; plus strand). Cytogenetic location: 18q12.3.
Variant type: Indel.
Coding change: c.2875_2876delinsTT on transcript NM_015559.3 (MANE Select); coding-DNA positions 2875 to 2876, GA replaced by TT.
Protein change: p.Glu959Leu; replaces glutamic acid 959 with leucine.
Molecular consequence: missense variant.
Genome position (GRCh38, 1-based): chr18:44,952,215-44,952,216, GA replaced by TT. VCF-style: chr18-44952215-GA-TT. GRCh37 (hg19) VCF-style: chr18-42532180-GA-TT.
Other names: c.2875_2876delinsTT, p.Glu959Leu (NM_001379141.1, NM_001379142.1, NM_001410862.1); short protein forms E959L.
Identifiers: ClinVar variation 4528212 (VCV004528212.1).
Genomic context (GRCh38, chr18:44,952,215, plus strand): 5'-AAGAGGAAACGGAAAAGCCTGCAAAACCGCGATGACCTCCAGTTTCTGGCAGACCTGGAG[GA>TT]GCTAATCACCAAGTTCCAAGTGTTCAGAATCTCCCACCGGAGTTACACCTTCTACCACGA-3'
Protein context (NP_056374.2, residues 949-969): DDLQFLADLE[Glu959Leu]LITKFQVFRI